The following is an entry in ClinVar:

ClinVar aggregate classification (germline): Conflicting classifications of pathogenicity. Review status: criteria provided, conflicting classifications (1 of 4 stars). 4 submissions from 4 submitters: Uncertain significance (3); Likely benign (1). Last evaluated 2025-07-23.

Conditions:
Alstrom syndrome (ALMS). Identifiers: Orphanet 64, MedGen C0268425, MONDO:0008763, OMIM 203800.
Cardiovascular phenotype. Identifiers: MedGen CN230736.

Allele frequency attached by ClinVar (database versions not stated): ExAC 0.00001; gnomAD 0.00001; gnomAD exomes 0.00001 and 0.00002; TOPMed 0.00001; 1000 Genomes Project 30x 0.00016; 1000 Genomes Project 0.00020.
gnomAD v4.1: 31 of 1,614,112 alleles (0.0019%); highest among the groups gnomAD compares: East Asian, 0.0045%; no homozygotes.

Submissions (4):

Labcorp Genetics (formerly Invitae), Labcorp
Classification: Uncertain significance for Alstrom syndrome. Last evaluated: 2025-07-23. Review status: criteria provided, single submitter. Criteria: Invitae Variant Classification Sherloc (09022015). Collection method: clinical testing. Allele origin: germline.
Comment: This sequence change replaces glutamine, which is neutral and polar, with arginine, which is basic and polar, at codon 800 of the ALMS1 protein (p.Gln800Arg). This variant is present in population databases (rs530083993, gnomAD 0.002%). This variant has not been reported in the literature in individuals affected with ALMS1-related conditions. ClinVar contains an entry for this variant (Variation ID: 1313418). Experimental studies and prediction algorithms are not available or were not evaluated, and the functional significance of this variant is currently unknown. In summary, the available evidence is currently insufficient to determine the role of this variant in disease. Therefore, it has been classified as a Variant of Uncertain Significance.

Ambry Genetics
Classification: Likely benign for Cardiovascular phenotype. Last evaluated: 2024-04-04. Review status: criteria provided, single submitter. Criteria: Ambry Variant Classification Scheme 2023. Collection method: clinical testing. Allele origin: germline.

Fulgent Genetics
Classification: Uncertain significance for Alstrom syndrome. Last evaluated: 2021-09-23. Review status: criteria provided, single submitter. Criteria: ACMG Guidelines, 2015. Collection method: clinical testing. Allele origin: unknown.

GeneDx
Classification: Uncertain significance. Last evaluated: 2020-10-28. Review status: criteria provided, single submitter. Criteria: GeneDx Variant Classification Process June 2021. Collection method: clinical testing. Allele origin: germline. Affected: yes.
Comment: Not observed at a significant frequency in large population cohorts (Lek et al., 2016); In silico analysis supports that this missense variant does not alter protein structure/function; Has not been previously published as pathogenic or benign to our knowledge

NM_001378454.1(ALMS1):c.2396A>G (p.Gln799Arg)

Gene: ALMS1 (ALMS1 centrosome and basal body associated protein; plus strand). Cytogenetic location: 2p13.1.
Variant type: single nucleotide variant.
Coding change: c.2396A>G on transcript NM_001378454.1 (MANE Select); coding-DNA position 2396, A replaced by G.
Protein change: p.Gln799Arg; replaces glutamine 799 with arginine.
Molecular consequence: missense variant.
Genome position (GRCh38, 1-based): chr2:73,448,923, A>G. VCF-style: chr2-73448923-A-G. GRCh37 (hg19) VCF-style: chr2-73676050-A-G.
Other names: c.2399A>G, p.Gln800Arg (NM_015120.4); short protein forms Q799R, Q800R.
Identifiers: ClinVar variation 1313418 (VCV001313418.8), dbSNP rs530083993, ClinGen allele CA1713335.